The following is an entry in ClinVar:

NM_018089.3(ANKZF1):c.1692-2A>T

Gene: ANKZF1 (ankyrin repeat and zinc finger peptidyl tRNA hydrolase 1; plus strand). Cytogenetic location: 2q35.
Variant type: single nucleotide variant.
Coding change: c.1692-2A>T on transcript NM_018089.3 (MANE Select); the canonical splice acceptor site of the intron before coding-DNA position 1692, A replaced by T.
Molecular consequence: splice acceptor variant.
Genome position (GRCh38, 1-based): chr2:219,235,472, A>T. VCF-style: chr2-219235472-A-T. GRCh37 (hg19) VCF-style: chr2-220100194-A-T.
Other names: c.1692-2A>T (NM_001042410.2); c.1062-2A>T (NM_001282792.2).
Identifiers: ClinVar variation 3014837 (VCV003014837.3), dbSNP rs1428122395, ClinGen allele CA350683553.

ClinVar aggregate classification (germline): Uncertain significance (1 of 4 stars; one submission).

Allele frequency attached by ClinVar (database versions not stated): gnomAD 0.00001; TOPMed 0.00001.

Submission:

Labcorp Genetics (formerly Invitae), Labcorp
Classification: Uncertain significance. Last evaluated: 2023-02-01. Review status: criteria provided, single submitter. Criteria: Invitae Variant Classification Sherloc (09022015). Collection method: clinical testing. Allele origin: germline.
Comment: This sequence change affects an acceptor splice site in intron 10 of the ANKZF1 gene. It is expected to disrupt RNA splicing. Variants that disrupt the donor or acceptor splice site typically lead to a loss of protein function (PMID: 16199547), however the current clinical and genetic evidence is not sufficient to establish whether loss-of-function variants in ANKZF1 cause disease. This variant is present in population databases (no rsID available, gnomAD 0.0009%). This variant has not been reported in the literature in individuals affected with ANKZF1-related conditions. Algorithms developed to predict the effect of sequence changes on RNA splicing suggest that this variant may disrupt the consensus splice site. In summary, the available evidence is currently insufficient to determine the role of this variant in disease. Therefore, it has been classified as a Variant of Uncertain Significance.

Literature cited by the submitters: PubMed 16199547.